The following is an entry in ClinVar:

ClinVar aggregate classification (germline): Conflicting classifications of pathogenicity. Review status: criteria provided, conflicting classifications (1 of 4 stars). 4 submissions from 4 submitters: Uncertain significance (1); Benign (1); Likely benign (2). Last evaluated 2025-11-24.

Conditions:
Neuropathy, hereditary sensory and autonomic, type 1C. Also called: HSAN IC; HSN IC. Identifiers: Orphanet 36386, MedGen C3150896, MONDO:0013337, OMIM 613640.
Inborn genetic diseases. Identifiers: MedGen C0950123, MeSH D030342.

Allele frequency attached by ClinVar (database versions not stated): gnomAD exomes 0.00002 and 0.00005; gnomAD 0.00004; TOPMed 0.00004; ExAC 0.00006; ESP Exome Variant Server 0.00008.
gnomAD v4.1: 45 of 1,613,994 alleles (0.0028%); highest among the groups gnomAD compares: Admixed American, 0.005%; no homozygotes.

Submissions (4):

Labcorp Genetics (formerly Invitae), Labcorp
Classification: Likely benign for Neuropathy, hereditary sensory and autonomic, type 1C. Last evaluated: 2025-11-24. Review status: criteria provided, single submitter. Criteria: Invitae Variant Classification Sherloc (09022015). Collection method: clinical testing. Allele origin: germline.

CeGaT Center for Human Genetics Tuebingen
Classification: Uncertain significance. Last evaluated: 2020-01-01. Review status: criteria provided, single submitter. Criteria: CeGaT Center For Human Genetics Tuebingen Variant Classification Criteria Version 2. Collection method: clinical testing. Allele origin: germline. Affected: yes. Observed: 1 variant allele.

Ambry Genetics
Classification: Likely benign for Inborn genetic diseases. Last evaluated: 2019-07-11. Review status: criteria provided, single submitter. Criteria: Ambry Variant Classification Scheme 2023. Collection method: clinical testing. Allele origin: germline.

Illumina Laboratory Services, Illumina
Classification: Benign for Neuropathy, hereditary sensory and autonomic, type 1C. Last evaluated: 2018-01-13. Review status: criteria provided, single submitter. Criteria: ICSL Variant Classification Criteria 13 December 2019. Collection method: clinical testing. Allele origin: germline.
Comment: This variant was observed in the ICSL laboratory as part of a predisposition screen in an ostensibly healthy population. It had not been previously curated by ICSL or reported in the Human Gene Mutation Database (HGMD: prior to June 1st, 2018), and was therefore a candidate for classification through an automated scoring system. Utilizing variant allele frequency, disease prevalence and penetrance estimates, and inheritance mode, an automated score was calculated to assess if this variant is too frequent to cause the disease. Based on the score and internal cut-off values, a variant classified as benign is not then subjected to further curation. The score for this variant resulted in a classification of benign for this disease.

NM_004863.4(SPTLC2):c.1470C>T (p.Asn490=)

Gene: SPTLC2 (serine palmitoyltransferase long chain base subunit 2; minus strand). Cytogenetic location: 14q24.3.
Variant type: single nucleotide variant.
Coding change: c.1470C>T on transcript NM_004863.4 (MANE Select); coding-DNA position 1470, C replaced by T.
Protein change: p.Asn490=; no amino-acid change (asparagine 490 retained).
Molecular consequence: synonymous variant.
Genome position (GRCh38, 1-based): chr14:77,518,137, G>A on the plus strand (C>T on the coding strand, the complement: SPTLC2 is on the minus strand). VCF-style: chr14-77518137-G-A. GRCh37 (hg19) VCF-style: chr14-77984480-G-A.
Identifiers: ClinVar variation 538854 (VCV000538854.57), dbSNP rs374657234, ClinGen allele CA7289143.